The following is an entry in ClinVar:

ClinVar aggregate classification (germline): Uncertain significance (1 of 4 stars; one submission).

Conditions:
Klippel-Feil syndrome 1, autosomal dominant (KFS1). Also called: CERVICAL VERTEBRAL FUSION, AUTOSOMAL DOMINANT. Identifiers: Orphanet 2345, MedGen C1861689, MONDO:0007306, OMIM 118100.
Isolated microphthalmia 4. Identifiers: Orphanet 2542, MedGen C2751307, MONDO:0013130, OMIM 613094.
Leber congenital amaurosis 17 (LCA17). Identifiers: Orphanet 65, MedGen C3715164, MONDO:0014145, OMIM 615360.
Microphthalmia, isolated, with coloboma 6 (MCOPCB6). Also called: Microphthalmia with coloboma 6; MICROPHTHALMIA/COLOBOMA 6; Microphthalmia with coloboma 6, digenic. Identifiers: Orphanet 98938, MedGen C3150968, MONDO:0013376, OMIM 613703.

gnomAD v4.1: 1 of 1,614,134 alleles (0.000062%); highest among the groups gnomAD compares: African/African-American, 0.0013%; no homozygotes.

Submission:

Labcorp Genetics (formerly Invitae), Labcorp
Classification: Uncertain significance for Isolated microphthalmia 4; Leber congenital amaurosis 17; Klippel-Feil syndrome 1, autosomal dominant; Microphthalmia, isolated, with coloboma 6. Last evaluated: 2023-11-13. Review status: criteria provided, single submitter. Criteria: Invitae Variant Classification Sherloc (09022015). Collection method: clinical testing. Allele origin: germline.
Comment: This sequence change replaces threonine, which is neutral and polar, with isoleucine, which is neutral and non-polar, at codon 423 of the GDF6 protein (p.Thr423Ile). This variant is not present in population databases (gnomAD no frequency). This variant has not been reported in the literature in individuals affected with GDF6-related conditions. ClinVar contains an entry for this variant (Variation ID: 1520240). Advanced modeling of protein sequence and biophysical properties (such as structural, functional, and spatial information, amino acid conservation, physicochemical variation, residue mobility, and thermodynamic stability) performed at Invitae indicates that this missense variant is not expected to disrupt GDF6 protein function with a negative predictive value of 80%. In summary, the available evidence is currently insufficient to determine the role of this variant in disease. Therefore, it has been classified as a Variant of Uncertain Significance.

NM_001001557.4(GDF6):c.1268C>T (p.Thr423Ile)

Gene: GDF6 (growth differentiation factor 6; minus strand). Cytogenetic location: 8q22.1.
Variant type: single nucleotide variant.
Coding change: c.1268C>T on transcript NM_001001557.4 (MANE Select); coding-DNA position 1268, C replaced by T.
Protein change: p.Thr423Ile; replaces threonine 423 with isoleucine.
Molecular consequence: missense variant.
Genome position (GRCh38, 1-based): chr8:96,144,663, G>A on the plus strand (C>T on the coding strand, the complement: GDF6 is on the minus strand). VCF-style: chr8-96144663-G-A. GRCh37 (hg19) VCF-style: chr8-97156891-G-A.
Other names: short protein forms T423I.
Identifiers: ClinVar variation 1520240 (VCV001520240.6), dbSNP rs769886732, ClinGen allele CA371749599.